The following is an entry in ClinVar:

NM_002497.4(NEK2):c.639-6C>T

Gene: NEK2 (NIMA related kinase 2; minus strand). Cytogenetic location: 1q32.3.
Variant type: single nucleotide variant.
Coding change: c.639-6C>T on transcript NM_002497.4 (MANE Select); 6 bases into the intron before coding-DNA position 639, C replaced by T.
Molecular consequence: intron variant.
Genome position (GRCh38, 1-based): chr1:211,670,413, G>A on the plus strand (C>T on the coding strand, the complement: NEK2 is on the minus strand). VCF-style: chr1-211670413-G-A. GRCh37 (hg19) VCF-style: chr1-211843755-G-A.
Other names: c.639-6C>T (NM_001204182.2, NM_001204183.2).
Identifiers: ClinVar variation 1950110 (VCV001950110.6), dbSNP rs374336991, ClinGen allele CA2485149372.

ClinVar aggregate classification (germline): Conflicting classifications of pathogenicity. Review status: criteria provided, conflicting classifications (1 of 4 stars). 2 submissions from 2 submitters: Uncertain significance (1); Likely benign (1). Last evaluated 2022-09-04.

gnomAD v4.1: 13 of 1,597,924 alleles (0.00081%); highest among the groups gnomAD compares: East Asian, 0.0022%; no homozygotes.

Submissions (2):

Labcorp Genetics (formerly Invitae), Labcorp
Classification: Uncertain significance. Last evaluated: 2022-09-04. Review status: criteria provided, single submitter. Criteria: Invitae Variant Classification Sherloc (09022015). Collection method: clinical testing. Allele origin: germline.
Comment: In summary, the available evidence is currently insufficient to determine the role of this variant in disease. Therefore, it has been classified as a Variant of Uncertain Significance. Algorithms developed to predict the effect of sequence changes on RNA splicing suggest that this variant may disrupt the consensus splice site. This variant has not been reported in the literature in individuals affected with NEK2-related conditions. This variant is not present in population databases (gnomAD no frequency). This sequence change falls in intron 4 of the NEK2 gene. It does not directly change the encoded amino acid sequence of the NEK2 protein.

Blueprint Genetics
Classification: Likely benign. Last evaluated: 2018-05-29. Review status: criteria provided, single submitter. Criteria: ACMG Guidelines, 2015. Collection method: clinical testing. Allele origin: germline.